The following is an entry in ClinVar:

ClinVar aggregate classification (germline): Benign (1 of 4 stars; one submission).

Conditions:
Rotor syndrome (HBLRR). Also called: HYPERBILIRUBINEMIA, ROTOR TYPE, DIGENIC; HYPERBILIRUBINEMIA, ROTOR TYPE. Identifiers: Orphanet 3111, MedGen C0220991, MONDO:0009379, OMIM 237450.

Allele frequency attached by ClinVar (database versions not stated): TOPMed below 0.00001; gnomAD 0.00001 and 0.00007; gnomAD exomes 0.00009; ExAC 0.00010; 1000 Genomes Project 30x 0.00062; 1000 Genomes Project 0.00080.
gnomAD v4.1: 194 of 1,591,352 alleles (0.012%); highest among the groups gnomAD compares: East Asian, 0.43%; 1 homozygote.

Submission:

Illumina Laboratory Services, Illumina
Classification: Benign for Rotor syndrome. Last evaluated: 2017-04-27. Review status: criteria provided, single submitter. Criteria: ICSL Variant Classification Criteria 13 December 2019. Collection method: clinical testing. Allele origin: germline.
Comment: This variant was observed as part of a predisposition screen in an ostensibly healthy population. A literature search was performed for the gene, cDNA change, and amino acid change (where applicable). Publications were found based on this search. The evidence from the literature, in combination with allele frequency data from public databases where available, was sufficient to rule this variant out of causing disease. Therefore, this variant is classified as benign.

Literature cited by the submitters: PubMed 23047721; PubMed 22185815; PubMed 17415554; PubMed 12811365; PubMed 18159134; PubMed 15970799; PubMed 17989996.

NM_006446.5(SLCO1B1):c.1007C>G (p.Pro336Arg)

Gene: SLCO1B1 (solute carrier organic anion transporter family member 1B1; plus strand). Cytogenetic location: 12p12.1.
Variant type: single nucleotide variant.
Coding change: c.1007C>G on transcript NM_006446.5 (MANE Select); coding-DNA position 1007, C replaced by G.
Protein change: p.Pro336Arg; replaces proline 336 with arginine.
Molecular consequence: missense variant.
Genome position (GRCh38, 1-based): chr12:21,200,544, C>G. VCF-style: chr12-21200544-C-G. GRCh37 (hg19) VCF-style: chr12-21353478-C-G.
Other names: short protein forms P336R.
Identifiers: ClinVar variation 882039 (VCV000882039.4), dbSNP rs72559747, ClinGen allele CA6476890.